The following is an entry in ClinVar:

ClinVar aggregate classification (germline): Uncertain significance. Review status: criteria provided, multiple submitters, no conflicts (2 of 4 stars). 2 submissions from 2 submitters: Uncertain significance (2). Last evaluated 2024-09-02.

Conditions:
Lethal congenital glycogen storage disease of heart. Also called: GLYCOGEN STORAGE DISEASE OF HEART; PHOSPHORYLASE KINASE DEFICIENCY OF HEART. Identifiers: Orphanet 439854, MedGen C1849813, MONDO:0009867, OMIM 261740.

Submissions (2):

GeneDx
Classification: Uncertain significance. Last evaluated: 2024-09-02. Review status: criteria provided, single submitter. Criteria: GeneDx Variant Classification Process June 2021. Collection method: clinical testing. Allele origin: germline. Affected: yes.
Comment: Not observed at significant frequency in large population cohorts (gnomAD); In silico analysis supports that this missense variant has a deleterious effect on protein structure/function; Has not been previously published as pathogenic or benign to our knowledge

Labcorp Genetics (formerly Invitae), Labcorp
Classification: Uncertain significance for Lethal congenital glycogen storage disease of heart. Last evaluated: 2021-06-02. Review status: criteria provided, single submitter. Criteria: Invitae Variant Classification Sherloc (09022015). Collection method: clinical testing. Allele origin: germline.
Comment: In summary, the available evidence is currently insufficient to determine the role of this variant in disease. Therefore, it has been classified as a Variant of Uncertain Significance. Advanced modeling of protein sequence and biophysical properties (such as structural, functional, and spatial information, amino acid conservation, physicochemical variation, residue mobility, and thermodynamic stability) performed at Invitae indicates that this missense variant is expected to disrupt PRKAG2 protein function. This variant has not been reported in the literature in individuals with PRKAG2-related conditions. ClinVar contains an entry for this variant (Variation ID: 181476). This sequence change replaces phenylalanine with cysteine at codon 323 of the PRKAG2 protein (p.Phe323Cys). The phenylalanine residue is highly conserved and there is a large physicochemical difference between phenylalanine and cysteine. This variant is not present in population databases (ExAC no frequency).

NM_016203.4(PRKAG2):c.968T>G (p.Phe323Cys)

Gene: PRKAG2 (protein kinase AMP-activated non-catalytic subunit gamma 2; minus strand). Cytogenetic location: 7q36.1.
Variant type: single nucleotide variant.
Coding change: c.968T>G on transcript NM_016203.4 (MANE Select); coding-DNA position 968, T replaced by G.
Protein change: p.Phe323Cys; replaces phenylalanine 323 with cysteine.
Molecular consequence: missense variant.
Genome position (GRCh38, 1-based): chr7:151,574,928, A>C on the plus strand (T>G on the coding strand, the complement: PRKAG2 is on the minus strand). VCF-style: chr7-151574928-A-C. GRCh37 (hg19) VCF-style: chr7-151272014-A-C.
Other names: p.F323C:TTC>TGC; c.836T>G, p.Phe279Cys (NM_001040633.2); c.593T>G, p.Phe198Cys (NM_001304527.2); c.245T>G, p.Phe82Cys (NM_001304531.2, NM_024429.2); c.596T>G, p.Phe199Cys (NM_001363698.2); short protein forms F323C, F279C, F82C, F198C, F199C.
Identifiers: ClinVar variation 181476 (VCV000181476.11), dbSNP rs730880977, ClinGen allele CA014702.